The following is an entry in ClinVar:

NM_018557.3(LRP1B):c.7977C>T (p.Cys2659=)

Gene: LRP1B (LDL receptor related protein 1B; minus strand). Cytogenetic location: 2q22.1.
Variant type: single nucleotide variant.
Coding change: c.7977C>T on transcript NM_018557.3 (MANE Select); coding-DNA position 7977, C replaced by T.
Protein change: p.Cys2659=; no amino-acid change (cysteine 2659 retained).
Molecular consequence: synonymous variant.
Genome position (GRCh38, 1-based): chr2:140,525,893, G>A on the plus strand (C>T on the coding strand, the complement: LRP1B is on the minus strand). VCF-style: chr2-140525893-G-A. GRCh37 (hg19) VCF-style: chr2-141283462-G-A.
Identifiers: ClinVar variation 3045917 (VCV003045917.2), dbSNP rs537703391, ClinGen allele CA1894132.
Genomic context (GRCh38, chr2:140,525,893, plus strand): 5'-TCTAGTATTACCTGGGCACTTTAATTCATCTGAATAGTCTCCACAGTCATTAGACCCGTC[G>A]CATATCCAGGTTGGCAGAACACACAGTGAGGTAGAATTACATCTTATGAACCCTGTGGTT-3'
Protein context (NP_061027.2, residues 2649-2669): TSLCVLPTWI[Cys2659=]DGSNDCGDYS

ClinVar aggregate classification (germline): Likely benign (0 of 4 stars; one submission).

Conditions:
LRP1B-related disorder. Also called: LRP1B-related condition.

Allele frequency attached by ClinVar (database versions not stated): TOPMed 0.00005; gnomAD 0.00011; 1000 Genomes Project 30x 0.00016; gnomAD exomes 0.00017; 1000 Genomes Project 0.00020; ExAC 0.00033.
gnomAD v4.1: 257 of 1,612,262 alleles (0.016%); highest among the groups gnomAD compares: South Asian, 0.26%; 2 homozygotes.

Submission:

PreventionGenetics, part of Exact Sciences
Classification: Likely benign for LRP1B-related condition. Last evaluated: 2019-04-05. Review status: no assertion criteria provided. Collection method: clinical testing. Allele origin: germline.
Comment: This variant is classified as likely benign based on ACMG/AMP sequence variant interpretation guidelines (Richards et al. 2015 PMID: 25741868, with internal and published modifications).